The following is an entry in ClinVar:

ClinVar aggregate classification (germline): Conflicting classifications of pathogenicity. Review status: criteria provided, conflicting classifications (1 of 4 stars). 8 submissions from 8 submitters: Uncertain significance (7); Likely benign (1). Last evaluated 2025-12-20.

Conditions:
Cataract 41 (CTRCT41). Also called: CATARACT 41, CONGENITAL NUCLEAR TYPE. Identifiers: Orphanet 91492, Orphanet 98991, Orphanet 98992, Orphanet 98995, MedGen C3805412, MONDO:0007287, OMIM 116400.
Wolfram syndrome 1 (WFS1). Identifiers: Orphanet 3463, MedGen C4551693, MONDO:0009101, OMIM 222300.
Autosomal dominant nonsyndromic hearing loss 6 (LFSNHL). Also called: DEAFNESS, AUTOSOMAL DOMINANT 14; DEAFNESS, AUTOSOMAL DOMINANT 38; Autosomal dominant nonsyndromic deafness 6; DEAFNESS, AUTOSOMAL DOMINANT 6. Identifiers: Orphanet 90635, MedGen C1833021, MONDO:0010963, OMIM 600965.
Wolfram-like syndrome. Also called: HEARING LOSS, PROGRESSIVE, WITH OPTIC ATROPHY AND/OR IMPAIRED GLUCOSE REGULATION. Identifiers: Orphanet 411590, MedGen C3280358, MONDO:0013673, OMIM 614296.
Type 2 diabetes mellitus. Also called: Type II diabetes mellitus. Identifiers: MedGen C0011860, MeSH D003924, MONDO:0005148, OMIM 125853, HP:0005978.
Monogenic diabetes. Identifiers: Orphanet 183625, MedGen C3888631, MONDO:0015967.

Allele frequency attached by ClinVar (database versions not stated): gnomAD exomes 0.00007 and 0.00004; ExAC 0.00017; TOPMed 0.00029; gnomAD 0.00032; ESP Exome Variant Server 0.00046.
gnomAD v4.1: 101 of 1,610,922 alleles (0.0063%); highest among the groups gnomAD compares: African/African-American, 0.087%; no homozygotes.

Submissions (8):

Labcorp Genetics (formerly Invitae), Labcorp
Classification: Likely benign. Last evaluated: 2025-12-20. Review status: criteria provided, single submitter. Criteria: Invitae Variant Classification Sherloc (09022015). Collection method: clinical testing. Allele origin: germline.

GeneDx
Classification: Uncertain significance. Last evaluated: 2025-09-15. Review status: criteria provided, single submitter. Criteria: GeneDx Variant Classification Process June 2021. Collection method: clinical testing. Allele origin: germline. Affected: yes.
Comment: In silico analysis suggests that this missense variant does not alter protein structure/function; Has not been previously published as pathogenic or benign to our knowledge

Blueprint Genetics
Classification: Uncertain significance. Last evaluated: 2024-11-12. Review status: criteria provided, single submitter. Criteria: ACMG Guidelines, 2015. Collection method: clinical testing. Allele origin: germline.

Women's Health and Genetics/Laboratory Corporation of America, LabCorp
Classification: Uncertain significance. Last evaluated: 2024-10-16. Review status: criteria provided, single submitter. Criteria: LabCorp Variant Classification Summary - May 2015. Collection method: clinical testing. Allele origin: germline.
Comment: Variant summary: WFS1 c.647C>G (p.Pro216Arg) results in a non-conservative amino acid change located in the Wolframin, EF-hand domain of the encoded protein sequence. Three of five in-silico tools predict a benign effect of the variant on protein function. The variant allele was found at a frequency of 6.6e-05 in 244194 control chromosomes. This frequency is not significantly higher than estimated for a pathogenic variant in WFS1 causing Wolfram Syndrome 1, allowing no conclusion about variant significance. To our knowledge, no occurrence of c.647C>G in individuals affected with Wolfram Syndrome 1 and no experimental evidence demonstrating its impact on protein function have been reported. ClinVar contains an entry for this variant (Variation ID: 393386). Based on the evidence outlined above, the variant was classified as uncertain significance.

Fulgent Genetics
Classification: Uncertain significance for Cataract 41; Type 2 diabetes mellitus; Wolfram syndrome 1; Autosomal dominant nonsyndromic hearing loss 6; Wolfram-like syndrome. Last evaluated: 2024-03-22. Review status: criteria provided, single submitter. Criteria: ACMG Guidelines, 2015. Collection method: clinical testing. Allele origin: germline.

Laboratory for Molecular Medicine, Mass General Brigham Personalized Medicine
Classification: Uncertain significance. Last evaluated: 2017-02-02. Review status: criteria provided, single submitter. Criteria: LMM Criteria. Collection method: clinical testing. Allele origin: germline. Observed: 1 variant allele.
Comment: The p.Pro216Arg variant in WFS1 has not been previously reported in individuals with hearing loss, Wolfram syndrome, or Wolfram-like disorder. This variant has been identified in 0.07% (5/7552) of African chromosomes and 0.02% (10/497210) o f European chromosomes by the Exome Aggregation Consortium (ExAC; dbSNP rs141233896). Although this variant has been seen in the general population, its frequency is not high enough to rule out a pathogenic r ole. Computational prediction tools and conservation analysis do not provide str ong support for or against an impact to the protein. In summary, the clinical si gnificance of the p.Pro216Arg variant is uncertain.

Personalized Diabetes Medicine Program, University of Maryland School of Medicine
Classification: Uncertain significance for Monogenic diabetes. Last evaluated: 2015-10-13. Review status: criteria provided, single submitter. Criteria: ACMG Guidelines, 2015. Collection method: research. Allele origin: unknown. Observed: 1 variant allele, 1 heterozygote.
Comment: ACMG Criteria: PP3, BP4

Clinical Genomics, Uppaluri K&H Personalized Medicine Clinic
Classification: Uncertain significance for Wolfram syndrome 1. Review status: criteria provided, single submitter. Criteria: K & H Uppaluri Personalized Medicine Clinic Variant Classification & Assertion Criteria_Updated V.1. Collection method: research. Allele origin: unknown. Inheritance: Autosomal recessive inheritance.
Comment: Potent mutations in WFS1 gene are associated with Wolfram's syndrome, an autosomal recessive condition, which cause diabetes mellitus, diabetes insipidus, deafness and optic atrophy. However no sufficient evidence is found to ascertain the role of this particular variant rs141233896 in Wolfram's syndrome yet.

Literature cited by the submitters: PubMed 20738327 (cited by Clinical Genomics, Uppaluri K&H Personalized Medicine Clinic); PubMed 33879153 (cited by Clinical Genomics, Uppaluri K&H Personalized Medicine Clinic); PubMed 12955714 (cited by Clinical Genomics, Uppaluri K&H Personalized Medicine Clinic); PubMed 18060660 (cited by Clinical Genomics, Uppaluri K&H Personalized Medicine Clinic); PubMed 20301750 (cited by Clinical Genomics, Uppaluri K&H Personalized Medicine Clinic); PubMed 17603484 (cited by Clinical Genomics, Uppaluri K&H Personalized Medicine Clinic).

NM_006005.3(WFS1):c.647C>G (p.Pro216Arg)

Gene: WFS1 (wolframin ER transmembrane glycoprotein; plus strand). Cytogenetic location: 4p16.1.
Variant type: single nucleotide variant.
Coding change: c.647C>G on transcript NM_006005.3 (MANE Select); coding-DNA position 647, C replaced by G.
Protein change: p.Pro216Arg; replaces proline 216 with arginine.
Molecular consequence: missense variant.
Genome position (GRCh38, 1-based): chr4:6,291,932, C>G. VCF-style: chr4-6291932-C-G. GRCh37 (hg19) VCF-style: chr4-6293659-C-G.
Other names: c.647C>G, p.Pro216Arg (NM_001145853.1); short protein forms P216R.
Identifiers: ClinVar variation 393386 (VCV000393386.23), dbSNP rs141233896, ClinGen allele CA2838986.